The following is an entry in ClinVar:

ClinVar aggregate classification (germline): Uncertain significance. Review status: criteria provided, multiple submitters, no conflicts (2 of 4 stars). 2 submissions from 2 submitters: Uncertain significance (2). Last evaluated 2025-11-25.

Conditions:
CASR-related disorder. Also called: CASR-related condition.
Familial hypocalciuric hypercalcemia (FHH). Also called: Familial benign hypercalcemia. Identifiers: Orphanet 405, MedGen C1809471, MONDO:0018458.
Autosomal dominant hypocalcemia 1 (HYPOC1). Also called: HYPOCALCEMIA, FAMILIAL. Identifiers: MedGen C3715128, MONDO:0011013, OMIM 601198.

Submissions (2):

PreventionGenetics, part of Exact Sciences
Classification: Uncertain significance for CASR-related condition. Last evaluated: 2025-11-25. Review status: criteria provided, single submitter. Criteria: ACMG Guidelines, 2015. Collection method: clinical testing. Allele origin: germline.
Comment: The CASR c.2536G>A variant is predicted to result in the amino acid substitution p.Val846Ile. This variant is referred to as p.Val836Ile in the transcript NM_000388. To our knowledge, this variant has not been reported in the literature or in a large population database (gnomAD), indicating this variant is rare. An alternate missense change at the same amino acid position (p.Val836Leu) has been reported in individuals with hypocalcemia (see for example: Hu et al. 2005. PubMed ID: 15591042; Marinakis et al. 2021. PubMed ID: 34008892). Although we suspect that this variant may be pathogenic, at this time, the clinical significance of this variant is uncertain due to the absence of conclusive functional and genetic evidence.

Labcorp Genetics (formerly Invitae), Labcorp
Classification: Uncertain significance for Familial hypocalciuric hypercalcemia; Autosomal dominant hypocalcemia 1. Last evaluated: 2025-10-20. Review status: criteria provided, single submitter. Criteria: Invitae Variant Classification Sherloc (09022015). Collection method: clinical testing. Allele origin: germline.
Comment: This sequence change replaces valine, which is neutral and non-polar, with isoleucine, which is neutral and non-polar, at codon 836 of the CASR protein (p.Val836Ile). This variant is not present in population databases (gnomAD no frequency). This variant has not been reported in the literature in individuals affected with CASR-related conditions. ClinVar contains an entry for this variant (Variation ID: 2936565). An algorithm developed to predict the effect of missense changes on protein structure and function (PolyPhen-2) suggests that this variant is likely to be disruptive. In summary, the available evidence is currently insufficient to determine the role of this variant in disease. Therefore, it has been classified as a Variant of Uncertain Significance.

NM_000388.4(CASR):c.2506G>A (p.Val836Ile)

Gene: CASR (calcium sensing receptor; plus strand). Cytogenetic location: 3q21.1.
Variant type: single nucleotide variant.
Coding change: c.2506G>A on transcript NM_000388.4 (MANE Select); coding-DNA position 2506, G replaced by A.
Protein change: p.Val836Ile; replaces valine 836 with isoleucine.
Molecular consequence: missense variant.
Genome position (GRCh38, 1-based): chr3:122,284,460, G>A. VCF-style: chr3-122284460-G-A. GRCh37 (hg19) VCF-style: chr3-122003307-G-A.
Other names: c.2536G>A (NM_001178065.1); c.2536G>A, p.Val846Ile (NM_001178065.2); short protein forms V836I, V846I.
Identifiers: ClinVar variation 2936565 (VCV002936565.4), dbSNP rs2107650629, ClinGen allele CA354160099.